The following is an entry in ClinVar:

NM_003742.4(ABCB11):c.1470C>T (p.Asn490=)

Gene: ABCB11 (ATP binding cassette subfamily B member 11; minus strand). Cytogenetic location: 2q31.1.
Variant type: single nucleotide variant.
Coding change: c.1470C>T on transcript NM_003742.4 (MANE Select); coding-DNA position 1470, C replaced by T.
Protein change: p.Asn490=; no amino-acid change (asparagine 490 retained).
Molecular consequence: synonymous variant.
Genome position (GRCh38, 1-based): chr2:168,972,015, G>A on the plus strand (C>T on the coding strand, the complement: ABCB11 is on the minus strand). VCF-style: chr2-168972015-G-A. GRCh37 (hg19) VCF-style: chr2-169828525-G-A.
Identifiers: ClinVar variation 791018 (VCV000791018.13), dbSNP rs747864916, ClinGen allele CA1951556.

ClinVar aggregate classification (germline): Likely benign. Review status: criteria provided, single submitter (1 of 4 stars). 3 submissions from 3 submitters: Likely benign (1). 2 of the submissions do not count toward it. Last evaluated 2023-11-03.

Conditions:
ABCB11-related disorder. Also called: ABCB11-related condition.
Progressive familial intrahepatic cholestasis type 2. Identifiers: Orphanet 79304, MedGen C3489789, MONDO:0011156, OMIM 601847.

Allele frequency attached by ClinVar (database versions not stated): gnomAD 0.00001; TOPMed 0.00003; ExAC 0.00012; gnomAD exomes 0.00015.
gnomAD v4.1: 41 of 1,612,736 alleles (0.0025%); highest among the groups gnomAD compares: Admixed American, 0.067%; no homozygotes.

Submissions (3):

Labcorp Genetics (formerly Invitae), Labcorp
Classification: Likely benign. Last evaluated: 2023-11-03. Review status: criteria provided, single submitter. Criteria: Invitae Variant Classification Sherloc (09022015). Collection method: clinical testing. Allele origin: germline.

PreventionGenetics, part of Exact Sciences
Classification: Likely benign for ABCB11-related condition. Last evaluated: 2023-12-01. Review status: no assertion criteria provided. Collection method: clinical testing. Allele origin: germline. Not counted in ClinVar's aggregate classification.
Comment: This variant is classified as likely benign based on ACMG/AMP sequence variant interpretation guidelines (Richards et al. 2015 PMID: 25741868, with internal and published modifications).

Natera, Inc.
Classification: Uncertain significance for Progressive familial intrahepatic cholestasis type 2. Last evaluated: 2020-03-10. Review status: no assertion criteria provided. Collection method: clinical testing. Allele origin: germline. Not counted in ClinVar's aggregate classification.